The following is an entry in ClinVar:

GRCh38/hg38 Xq21.31(chrX:90075089-90598975)x1

Variant type: copy number loss.
Change: copy number 1 of chrX:90,075,089-90,598,975 (523.9 kb, GRCh38 coordinates, 1-based), cytogenetic band Xq21.31.
Identifiers: ClinVar variation 57686 (VCV000057686.1).

ClinVar aggregate classification (germline): Uncertain significance (1 of 4 stars; one submission).

Submission:

ISCA site 14
Classification: Uncertain significance. Last evaluated: 2011-08-12. Review status: criteria provided, single submitter. Criteria: Kaminsky et al. (Genet Med. 2011). Collection method: clinical testing. Allele origin: unknown. Affected: yes. Observed: 1 variant allele.
Comment: Copy number variation identified through the course of routine clinical cytogenomic testing in postnatal populations. Clinical assertions have been curated as described in Kaminsky et al. 2011.